The following is an entry in ClinVar:

ClinVar aggregate classification (germline): Uncertain significance (1 of 4 stars; one submission).

Conditions:
Chromosome 2q32-q33 deletion syndrome (GLASS). Also called: Glass syndrome; 2q33.1 deletion syndrome. Identifiers: Orphanet 251019, MedGen C2676739, MONDO:0012864, OMIM 612313.

Submission:

Labcorp Genetics (formerly Invitae), Labcorp
Classification: Uncertain significance for Chromosome 2q32-q33 deletion syndrome. Last evaluated: 2023-03-23. Review status: criteria provided, single submitter. Criteria: Invitae Variant Classification Sherloc (09022015). Collection method: clinical testing. Allele origin: germline.
Comment: In summary, the available evidence is currently insufficient to determine the role of this variant in disease. Therefore, it has been classified as a Variant of Uncertain Significance. This sequence change replaces proline, which is neutral and non-polar, with alanine, which is neutral and non-polar, at codon 576 of the SATB2 protein (p.Pro576Ala). This variant is not present in population databases (gnomAD no frequency). This variant has not been reported in the literature in individuals affected with SATB2-related conditions. Advanced modeling of protein sequence and biophysical properties (such as structural, functional, and spatial information, amino acid conservation, physicochemical variation, residue mobility, and thermodynamic stability) performed at Invitae indicates that this missense variant is not expected to disrupt SATB2 protein function.

NM_001172509.2(SATB2):c.1726C>G (p.Pro576Ala)

Gene: SATB2 (SATB homeobox 2; minus strand). Cytogenetic location: 2q33.1.
Variant type: single nucleotide variant.
Coding change: c.1726C>G on transcript NM_001172509.2 (MANE Select); coding-DNA position 1726, C replaced by G.
Protein change: p.Pro576Ala; replaces proline 576 with alanine.
Molecular consequence: missense variant.
Genome position (GRCh38, 1-based): chr2:199,308,774, G>C on the plus strand (C>G on the coding strand, the complement: SATB2 is on the minus strand). VCF-style: chr2-199308774-G-C. GRCh37 (hg19) VCF-style: chr2-200173497-G-C.
Other names: c.1726C>G, p.Pro576Ala (NM_001172517.1, NM_015265.4); short protein forms P576A.
Identifiers: ClinVar variation 2848931 (VCV002848931.3), dbSNP rs749170294, ClinGen allele CA350384272.